The following is an entry in ClinVar:

NM_001065.4(TNFRSF1A):c.1343C>G (p.Pro448Arg)

Gene: TNFRSF1A (TNF receptor superfamily member 1A; minus strand). Cytogenetic location: 12p13.31.
Variant type: single nucleotide variant.
Coding change: c.1343C>G on transcript NM_001065.4 (MANE Select); coding-DNA position 1343, C replaced by G.
Protein change: p.Pro448Arg; replaces proline 448 with arginine.
Molecular consequence: missense variant. On other transcripts: non-coding transcript variant (1).
Genome position (GRCh38, 1-based): chr12:6,329,337, G>C on the plus strand (C>G on the coding strand, the complement: TNFRSF1A is on the minus strand). VCF-style: chr12-6329337-G-C. GRCh37 (hg19) VCF-style: chr12-6438503-G-C.
Other names: c.1019C>G, p.Pro340Arg (NM_001346091.2); c.884C>G, p.Pro295Arg (NM_001346092.2); short protein forms P448R, P295R, P340R.
Identifiers: ClinVar variation 2001385 (VCV002001385.4), dbSNP rs1289887403, ClinGen allele CA383544267.

ClinVar aggregate classification (germline): Uncertain significance (1 of 4 stars; one submission).

Conditions:
TNF receptor-associated periodic fever syndrome (TRAPS) (FPF). Also called: FAMILIAL HIBERNIAN FEVER; TNF RECEPTOR-ASSOCIATED PERIODIC SYNDROME; TUMOR NECROSIS FACTOR RECEPTOR-ASSOCIATED PERIODIC SYNDROME; TNF Receptor-Associated Periodic Fever Syndrome; TNF receptor 1-associated periodic fever syndrome; Autosomal Dominant Familial Periodic Fever. Identifiers: Orphanet 32960, MedGen C1275126, MONDO:0007727, OMIM 142680.

gnomAD v4.1: 3 of 1,475,602 alleles (0.0002%); highest among the groups gnomAD compares: Non-Finnish European, 0.00027%; no homozygotes.

Submission:

Labcorp Genetics (formerly Invitae), Labcorp
Classification: Uncertain significance for TNF receptor-associated periodic fever syndrome (TRAPS). Last evaluated: 2022-07-25. Review status: criteria provided, single submitter. Criteria: Invitae Variant Classification Sherloc (09022015). Collection method: clinical testing. Allele origin: germline.
Comment: In summary, the available evidence is currently insufficient to determine the role of this variant in disease. Therefore, it has been classified as a Variant of Uncertain Significance. Advanced modeling of protein sequence and biophysical properties (such as structural, functional, and spatial information, amino acid conservation, physicochemical variation, residue mobility, and thermodynamic stability) performed at Invitae indicates that this missense variant is not expected to disrupt TNFRSF1A protein function. This variant has not been reported in the literature in individuals affected with TNFRSF1A-related conditions. This variant is not present in population databases (gnomAD no frequency). This sequence change replaces proline, which is neutral and non-polar, with arginine, which is basic and polar, at codon 448 of the TNFRSF1A protein (p.Pro448Arg).